The following is an entry in ClinVar:

NM_001561.6(TNFRSF9):c.34C>G (p.Leu12Val)

Gene: TNFRSF9 (TNF receptor superfamily member 9; minus strand). Cytogenetic location: 1p36.23.
Variant type: single nucleotide variant.
Coding change: c.34C>G on transcript NM_001561.6 (MANE Select); coding-DNA position 34, C replaced by G.
Protein change: p.Leu12Val; replaces leucine 12 with valine.
Molecular consequence: missense variant.
Genome position (GRCh38, 1-based): chr1:7,939,961, G>C on the plus strand (C>G on the coding strand, the complement: TNFRSF9 is on the minus strand). VCF-style: chr1-7939961-G-C. GRCh37 (hg19) VCF-style: chr1-8000021-G-C.
Other names: short protein forms L12V.
Identifiers: ClinVar variation 4747392 (VCV004747392.1).

ClinVar aggregate classification (germline): Uncertain significance (1 of 4 stars; one submission).

gnomAD v4.1: 62 of 1,605,046 alleles (0.0039%); highest among the groups gnomAD compares: East Asian, 0.11%; no homozygotes.

Submission:

Labcorp Genetics (formerly Invitae), Labcorp
Classification: Uncertain significance. Last evaluated: 2025-08-06. Review status: criteria provided, single submitter. Criteria: Invitae Variant Classification Sherloc (09022015). Collection method: clinical testing. Allele origin: germline.
Comment: This sequence change replaces leucine, which is neutral and non-polar, with valine, which is neutral and non-polar, at codon 12 of the TNFRSF9 protein (p.Leu12Val). This variant is present in population databases (rs201133913, gnomAD 0.09%). This variant has not been reported in the literature in individuals affected with TNFRSF9-related conditions. An algorithm developed to predict the effect of missense changes on protein structure and function outputs the following: PolyPhen-2: "Benign". The valine amino acid residue is found in multiple mammalian species, which suggests that this missense change does not adversely affect protein function. In summary, the available evidence is currently insufficient to determine the role of this variant in disease. Therefore, it has been classified as a Variant of Uncertain Significance.